The following is an entry in ClinVar:

ClinVar aggregate classification (germline): Uncertain significance (1 of 4 stars; one submission).

Submission:

GeneDx
Classification: Uncertain significance. Last evaluated: 2023-02-08. Review status: criteria provided, single submitter. Criteria: GeneDx Variant Classification Process June 2021. Collection method: clinical testing. Allele origin: germline. Affected: yes.
Comment: Has not been previously published as pathogenic or benign to our knowledge; Frameshift variant predicted to result in protein truncation as the last 107 amino acids are replaced with 71 different amino acids, although loss-of-function variants have not been reported downstream of this position in the protein; Not observed at significant frequency in large population cohorts (gnomAD); This variant is associated with the following publications: (PMID: 27535533)

NM_005094.4(SLC27A4):c.1609_1618del (p.Tyr537fs)

Gene: SLC27A4 (solute carrier family 27 member 4; plus strand). Cytogenetic location: 9q34.11.
Variant type: Deletion.
Coding change: c.1609_1618del on transcript NM_005094.4 (MANE Select); coding-DNA positions 1609 to 1618, 10 bases deleted (TATGGTGTCG; older notation c.1609_1618delTATGGTGTCG).
Protein change: p.Tyr537fs; shifts the reading frame from tyrosine 537.
Molecular consequence: frameshift variant.
Genome position (GRCh38, 1-based): chr9:128,355,544-128,355,553, TATGGTGTCG deleted; deleting any 10 consecutive bases within chr9:128,355,543-128,355,553 gives the same sequence; the c. name uses the placement nearest the transcript's 3' end. VCF-style (leftmost placement, unchanged base first): chr9-128355542-TGTATGGTGTC-T. GRCh37 (hg19) VCF-style: chr9-131117821-TGTATGGTGTC-T.
Other names: short protein forms Y537fs.
Identifiers: ClinVar variation 2429540 (VCV002429540.1), dbSNP rs1228311616, ClinGen allele CA467483696.